The following is an entry in ClinVar:

ClinVar aggregate classification (germline): Uncertain significance (1 of 4 stars; one submission).

Submission:

CeGaT Center for Human Genetics Tuebingen
Classification: Uncertain significance. Last evaluated: 2024-07-01. Review status: criteria provided, single submitter. Criteria: CeGaT Center For Human Genetics Tuebingen Variant Classification Criteria Version 2. Collection method: clinical testing. Allele origin: germline. Affected: yes. Observed: 1 variant allele.
Comment: GJB3: PM2

NM_024009.3(GJB3):c.157dup (p.Cys53fs)

Gene: GJB3 (gap junction protein beta 3; plus strand). Cytogenetic location: 1p34.3.
Variant type: Duplication.
Coding change: c.157dup on transcript NM_024009.3 (MANE Select); coding-DNA position 157, one base duplicated (T; older notation c.157dupT).
Protein change: p.Cys53fs; shifts the reading frame from cysteine 53.
Molecular consequence: frameshift variant.
Genome position (GRCh38, 1-based): chr1:34,784,919, T duplicated. VCF-style (leftmost placement, unchanged base first): chr1-34784918-C-CT. GRCh37 (hg19) VCF-style: chr1-35250519-C-CT.
Other names: c.157dup, p.Cys53fs (NM_001005752.2); short protein forms C53fs.
Identifiers: ClinVar variation 3257313 (VCV003257313.17).